The following is an entry in ClinVar:

NM_024747.6(HPS6):c.379C>T (p.Arg127Cys)

Gene: HPS6 (HPS6 biogenesis of lysosomal organelles complex 2 subunit 3; plus strand). Cytogenetic location: 10q24.32.
Variant type: single nucleotide variant.
Coding change: c.379C>T on transcript NM_024747.6 (MANE Select); coding-DNA position 379, C replaced by T.
Protein change: p.Arg127Cys; replaces arginine 127 with cysteine.
Molecular consequence: missense variant.
Genome position (GRCh38, 1-based): chr10:102,065,853, C>T. VCF-style: chr10-102065853-C-T. GRCh37 (hg19) VCF-style: chr10-103825610-C-T.
Other names: short protein forms R127C.
Identifiers: ClinVar variation 2077015 (VCV002077015.4), dbSNP rs1459537350, ClinGen allele CA377856710.
Genomic context (GRCh38, chr10:102,065,853, plus strand): 5'-GGCGTGGGGCCTGGCTGGCGGCCGCTGCAGAGCACCGAGCTGTGTCCGGGCGGGGGAGCC[C>T]GCGTTGTGGCAGTGGCGGCGCTCCGAGGCCGCCTGGTGTGGTGCGAGGAGCGGCAGGCCC-3'
Protein context (NP_079023.2, residues 117-137): STELCPGGGA[Arg127Cys]VVAVAALRGR

ClinVar aggregate classification (germline): Uncertain significance (1 of 4 stars; one submission).

Allele frequency attached by ClinVar (database versions not stated): gnomAD 0.00001.

Submission:

Labcorp Genetics (formerly Invitae), Labcorp
Classification: Uncertain significance. Last evaluated: 2025-01-06. Review status: criteria provided, single submitter. Criteria: Invitae Variant Classification Sherloc (09022015). Collection method: clinical testing. Allele origin: germline.
Comment: This sequence change replaces arginine, which is basic and polar, with cysteine, which is neutral and slightly polar, at codon 127 of the HPS6 protein (p.Arg127Cys). This variant is not present in population databases (gnomAD no frequency). This variant has not been reported in the literature in individuals affected with HPS6-related conditions. ClinVar contains an entry for this variant (Variation ID: 2077015). Invitae Evidence Modeling of protein sequence and biophysical properties (such as structural, functional, and spatial information, amino acid conservation, physicochemical variation, residue mobility, and thermodynamic stability) indicates that this missense variant is not expected to disrupt HPS6 protein function with a negative predictive value of 80%. In summary, the available evidence is currently insufficient to determine the role of this variant in disease. Therefore, it has been classified as a Variant of Uncertain Significance.